The following is an entry in ClinVar:

ClinVar aggregate classification (germline): Pathogenic (1 of 4 stars; one submission).

Conditions:
Neurofibromatosis, type 1 (NF1). Also called: Neurofibromatosis, type I; Peripheral type neurofibromatosis; VON RECKLINGHAUSEN DISEASE; NEUROFIBROMATOSIS, TYPE I, SOMATIC. Identifiers: Orphanet 636, MedGen C0027831, MONDO:0018975, OMIM 162200. Disease mechanism: loss of function.

Submission:

Labcorp Genetics (formerly Invitae), Labcorp
Classification: Pathogenic for Neurofibromatosis, type 1. Last evaluated: 2019-12-13. Review status: criteria provided, single submitter. Criteria: Invitae Variant Classification Sherloc (09022015). Collection method: clinical testing. Allele origin: germline.
Comment: This variant is a gross deletion of the genomic region encompassing exons 1-5 of the NF1 gene, which includes the initiator codon. The 5' end of this event is unknown as it extends beyond the assayed region for this gene and therefore may encompass additional genes. The 3' boundary is likely confined to intron 5 of the NF1 gene. This is expected to result in an absent or disrupted protein product. This variant has not been reported in the literature in individuals with NF1-related conditions. Loss-of-function variants in NF1 are known to be pathogenic (PMID: 10712197, 23913538). For these reasons, this variant has been classified as Pathogenic.

NC_000017.11:g.(?_31095030)_(31170007_?)del

Gene: NF1 (neurofibromin 1; plus strand). Cytogenetic location: 17q11.2.
Variant type: Deletion.
Identifiers: ClinVar variation 831619 (VCV000831619.1).